The following is an entry in ClinVar:

ClinVar aggregate classification (germline): Uncertain significance (1 of 4 stars; one submission).

Conditions:
Intellectual disability, autosomal dominant 11. Identifiers: MedGen C3280285, MONDO:0013658, OMIM 614257.

Submission:

Laboratorio de Genetica e Diagnostico Molecular, Hospital Israelita Albert Einstein
Classification: Uncertain significance for Intellectual disability, autosomal dominant 11. Last evaluated: 2025-08-28. Review status: criteria provided, single submitter. Criteria: ACMG Guidelines, 2015. Collection method: clinical testing. Allele origin: germline. Affected: yes.
Comment: ACMG classification criteria: PM2 supporting, PP3 supporting

NM_012156.2(EPB41L1):c.862C>T (p.His288Tyr)

Gene: EPB41L1 (erythrocyte membrane protein band 4.1 like 1; plus strand). Cytogenetic location: 20q11.23.
Variant type: single nucleotide variant.
Coding change: c.862C>T on transcript NM_012156.2 (MANE Select); coding-DNA position 862, C replaced by T.
Protein change: p.His288Tyr; replaces histidine 288 with tyrosine.
Molecular consequence: missense variant.
Genome position (GRCh38, 1-based): chr20:36,187,752, C>T. VCF-style: chr20-36187752-C-T. GRCh37 (hg19) VCF-style: chr20-34775674-C-T.
Other names: c.676C>T, p.His226Tyr (NM_001424393.1, NM_001424394.1, NM_001258331.2 and 19 more transcripts); c.862C>T, p.His288Tyr (NM_001424395.1, NM_001424396.1, NM_001424397.1 and 14 more transcripts); c.769C>T, p.His257Tyr (NM_001258330.1); short protein forms H226Y, H257Y, H288Y.
Identifiers: ClinVar variation 4846788 (VCV004846788.1).